The following is an entry in ClinVar:

ClinVar aggregate classification (germline): Uncertain significance. Review status: criteria provided, multiple submitters, no conflicts (2 of 4 stars). 3 submissions from 3 submitters: Uncertain significance (3). Last evaluated 2023-04-11.

Conditions:
Juvenile onset Parkinson disease 19A. Also called: DNAJC6 Parkinson Disease; PARK19. Identifiers: Orphanet 391411, MedGen C3809811, MONDO:0014231, OMIM 615528.
Inborn genetic diseases. Identifiers: MedGen C0950123, MeSH D030342.

Allele frequency attached by ClinVar (database versions not stated): ESP Exome Variant Server 0.00008; gnomAD 0.00011 and 0.00013; TOPMed 0.00020.
gnomAD v4.1: 43 of 1,601,268 alleles (0.0027%); highest among the groups gnomAD compares: African/African-American, 0.04%; no homozygotes.

Submissions (3):

Genome-Nilou Lab
Classification: Uncertain significance for Juvenile onset Parkinson disease 19A. Last evaluated: 2023-04-11. Review status: criteria provided, single submitter. Criteria: ACMG Guidelines, 2015. Collection method: clinical testing. Allele origin: germline. Affected: no.

Ambry Genetics
Classification: Uncertain significance for Inborn genetic diseases. Last evaluated: 2022-01-10. Review status: criteria provided, single submitter. Criteria: Ambry Variant Classification Scheme 2023. Collection method: clinical testing. Allele origin: germline.

Labcorp Genetics (formerly Invitae), Labcorp
Classification: Uncertain significance for Juvenile onset Parkinson disease 19A. Last evaluated: 2021-10-17. Review status: criteria provided, single submitter. Criteria: Invitae Variant Classification Sherloc (09022015). Collection method: clinical testing. Allele origin: germline.
Comment: This sequence change replaces alanine with valine at codon 611 of the DNAJC6 protein (p.Ala611Val). The alanine residue is weakly conserved and there is a small physicochemical difference between alanine and valine. This variant is present in population databases (rs375368522, ExAC 0.04%). This variant has not been reported in the literature in individuals affected with DNAJC6-related conditions. Algorithms developed to predict the effect of missense changes on protein structure and function (SIFT, PolyPhen-2, Align-GVGD) all suggest that this variant is likely to be tolerated. In summary, the available evidence is currently insufficient to determine the role of this variant in disease. Therefore, it has been classified as a Variant of Uncertain Significance.

NM_001256864.2(DNAJC6):c.1832C>T (p.Ala611Val)

Gene: DNAJC6 (DnaJ heat shock protein family (Hsp40) member C6; plus strand). Cytogenetic location: 1p31.3.
Variant type: single nucleotide variant.
Coding change: c.1832C>T on transcript NM_001256864.2 (MANE Select); coding-DNA position 1832, C replaced by T.
Protein change: p.Ala611Val; replaces alanine 611 with valine.
Molecular consequence: missense variant.
Genome position (GRCh38, 1-based): chr1:65,392,794, C>T. VCF-style: chr1-65392794-C-T. GRCh37 (hg19) VCF-style: chr1-65858477-C-T.
Other names: c.1661C>T (NM_014787.2); c.1622C>T, p.Ala541Val (NM_001256865.2); c.1661C>T, p.Ala554Val (NM_014787.4); short protein forms A611V, A554V, A541V.
Identifiers: ClinVar variation 1522190 (VCV001522190.7), dbSNP rs375368522, ClinGen allele CA894004.